The following is an entry in ClinVar:

NM_016292.3(TRAP1):c.574G>A (p.Glu192Lys)

Gene: TRAP1 (TNF receptor associated protein 1; minus strand). Cytogenetic location: 16p13.3.
Variant type: single nucleotide variant.
Coding change: c.574G>A on transcript NM_016292.3 (MANE Select); coding-DNA position 574, G replaced by A.
Protein change: p.Glu192Lys; replaces glutamic acid 192 with lysine.
Molecular consequence: missense variant.
Genome position (GRCh38, 1-based): chr16:3,677,628, C>T on the plus strand (G>A on the coding strand, the complement: TRAP1 is on the minus strand). VCF-style: chr16-3677628-C-T. GRCh37 (hg19) VCF-style: chr16-3727629-C-T.
Other names: c.415G>A, p.Glu139Lys (NM_001272049.2); c.574G>A (NM_016292.2); short protein forms E139K, E192K.
Identifiers: ClinVar variation 1657675 (VCV001657675.13), dbSNP rs147617137, ClinGen allele CA7868589.

ClinVar aggregate classification (germline): Benign/Likely benign. Review status: criteria provided, multiple submitters, no conflicts (2 of 4 stars). 5 submissions from 5 submitters: Benign (2); Likely benign (2). 1 of the submissions does not count toward it. Last evaluated 2026-09-01.

Conditions:
TRAP1-related disorder. Also called: TRAP1-related condition.

Allele frequency attached by ClinVar (database versions not stated): gnomAD exomes 0.00091 and 0.00155; gnomAD 0.00108 and 0.00111; TOPMed 0.00110; ESP Exome Variant Server 0.00115; 1000 Genomes Project 0.00140; 1000 Genomes Project 30x 0.00141; ExAC 0.00145.
gnomAD v4.1: 1,590 of 1,614,110 alleles (0.099%); highest among the groups gnomAD compares: Middle Eastern, 0.81%; 10 homozygotes.

Submissions (5):

CeGaT Center for Human Genetics Tuebingen
Classification: Likely benign. Last evaluated: 2026-09-01. Review status: criteria provided, single submitter. Criteria: CeGaT Center For Human Genetics Tuebingen Variant Classification Criteria Version 2. Collection method: clinical testing. Allele origin: germline. Affected: yes. Observed: 1 variant allele.
Comment: TRAP1: BS2

Labcorp Genetics (formerly Invitae), Labcorp
Classification: Benign. Last evaluated: 2025-12-23. Review status: criteria provided, single submitter. Criteria: Invitae Variant Classification Sherloc (09022015). Collection method: clinical testing. Allele origin: germline.

Blueprint Genetics
Classification: Likely benign. Last evaluated: 2024-11-18. Review status: criteria provided, single submitter. Criteria: ACMG Guidelines, 2015. Collection method: clinical testing. Allele origin: germline.

Breakthrough Genomics
Classification: Benign. Review status: criteria provided, single submitter. Criteria: ACMG Guidelines, 2015. Collection method: not provided. Allele origin: germline. Inheritance: Unknown mechanism. Affected: yes.

PreventionGenetics, part of Exact Sciences
Classification: Benign for TRAP1-related condition. Last evaluated: 2020-06-03. Review status: no assertion criteria provided. Collection method: clinical testing. Allele origin: germline. Not counted in ClinVar's aggregate classification.
Comment: This variant is classified as benign based on ACMG/AMP sequence variant interpretation guidelines (Richards et al. 2015 PMID: 25741868, with internal and published modifications).